The following is an entry in ClinVar:

NM_001089.3(ABCA3):c.1574A>G (p.Asp525Gly)

Gene: ABCA3 (ATP binding cassette subfamily A member 3; minus strand). Cytogenetic location: 16p13.3.
Variant type: single nucleotide variant.
Coding change: c.1574A>G on transcript NM_001089.3 (MANE Select); coding-DNA position 1574, A replaced by G.
Protein change: p.Asp525Gly; replaces aspartic acid 525 with glycine.
Molecular consequence: missense variant.
Genome position (GRCh38, 1-based): chr16:2,300,042, T>C on the plus strand (A>G on the coding strand, the complement: ABCA3 is on the minus strand). VCF-style: chr16-2300042-T-C. GRCh37 (hg19) VCF-style: chr16-2350043-T-C.
Other names: short protein forms D525G.
Identifiers: ClinVar variation 1775550 (VCV001775550.3), dbSNP rs2093686513, ClinGen allele CA394335130.

ClinVar aggregate classification (germline): Uncertain significance (1 of 4 stars; one submission).

Conditions:
Hereditary pulmonary alveolar proteinosis. Also called: Pulmonary surfactant metabolism dysfunction. Identifiers: Orphanet 264675, MedGen C3711368, MONDO:0012580.

Allele frequency attached by ClinVar (database versions not stated): gnomAD 0.00001.
gnomAD v4.1: 4 of 1,613,054 alleles (0.00025%); highest among the groups gnomAD compares: Non-Finnish European, 0.00034%; no homozygotes.

Submission:

Ambry Genetics
Classification: Uncertain significance for Hereditary pulmonary alveolar proteinosis. Last evaluated: 2025-12-10. Review status: criteria provided, single submitter. Criteria: Ambry Variant Classification Scheme 2023. Collection method: clinical testing. Allele origin: germline.
Comment: The p.D525G variant (also known as c.1574A>G), located in coding exon 10 of the ABCA3 gene, results from an A to G substitution at nucleotide position 1574. The aspartic acid at codon 525 is replaced by glycine, an amino acid with similar properties. This amino acid position is conserved. In addition, this alteration is predicted to be tolerated by in silico analysis. Since supporting evidence is limited at this time, the clinical significance of this alteration remains unclear.